The following is an entry in ClinVar:

NM_020779.4(WDR35):c.551A>G (p.Asp184Gly)

Gene: WDR35 (WD repeat domain 35; minus strand). Cytogenetic location: 2p24.1.
Variant type: single nucleotide variant.
Coding change: c.551A>G on transcript NM_020779.4 (MANE Select); coding-DNA position 551, A replaced by G.
Protein change: p.Asp184Gly; replaces aspartic acid 184 with glycine.
Molecular consequence: missense variant.
Genome position (GRCh38, 1-based): chr2:19,975,549, T>C on the plus strand (A>G on the coding strand, the complement: WDR35 is on the minus strand). VCF-style: chr2-19975549-T-C. GRCh37 (hg19) VCF-style: chr2-20175310-T-C.
Other names: c.551A>G, p.Asp184Gly (NM_001006657.2); short protein forms D184G.
Identifiers: ClinVar variation 1446514 (VCV001446514.3), dbSNP rs370873468, ClinGen allele CA1543497.

ClinVar aggregate classification (germline): Uncertain significance (1 of 4 stars; one submission).

Conditions:
Cranioectodermal dysplasia 2 (CED2). Identifiers: Orphanet 1515, MedGen C3150874, MONDO:0013323, OMIM 613610.
Short-rib thoracic dysplasia 7 with or without polydactyly (SRTD7). Also called: Short rib polydactyly syndrome 5; SHORT-RIB THORACIC DYSPLASIA 7 WITH POLYDACTYLY. Identifiers: Orphanet 498497, Orphanet 93271, MedGen C3279792, MONDO:0013569, OMIM 614091.

Allele frequency attached by ClinVar (database versions not stated): ExAC 0.00003; gnomAD exomes 0.00003 and 0.00010; gnomAD 0.00004; TOPMed 0.00006; ESP Exome Variant Server 0.00008.
gnomAD v4.1: 151 of 1,613,522 alleles (0.0094%); highest among the groups gnomAD compares: Non-Finnish European, 0.012%; no homozygotes.

Submission:

Labcorp Genetics (formerly Invitae), Labcorp
Classification: Uncertain significance for Cranioectodermal dysplasia 2; Short-rib thoracic dysplasia 7 with or without polydactyly. Last evaluated: 2022-06-27. Review status: criteria provided, single submitter. Criteria: Invitae Variant Classification Sherloc (09022015). Collection method: clinical testing. Allele origin: germline.
Comment: This sequence change replaces aspartic acid, which is acidic and polar, with glycine, which is neutral and non-polar, at codon 184 of the WDR35 protein (p.Asp184Gly). This variant is present in population databases (rs370873468, gnomAD 0.006%). This variant has not been reported in the literature in individuals affected with WDR35-related conditions. Algorithms developed to predict the effect of missense changes on protein structure and function are either unavailable or do not agree on the potential impact of this missense change (SIFT: "Deleterious"; PolyPhen-2: "Possibly Damaging"; Align-GVGD: "Class C15"). Algorithms developed to predict the effect of sequence changes on RNA splicing suggest that this variant may create or strengthen a splice site. In summary, the available evidence is currently insufficient to determine the role of this variant in disease. Therefore, it has been classified as a Variant of Uncertain Significance.